The following is an entry in ClinVar:

NM_000374.5(UROD):c.1065T>G (p.Asp355Glu)

Gene: UROD (uroporphyrinogen decarboxylase; plus strand). Cytogenetic location: 1p34.1.
Variant type: single nucleotide variant.
Coding change: c.1065T>G on transcript NM_000374.5 (MANE Select); coding-DNA position 1065, T replaced by G.
Protein change: p.Asp355Glu; replaces aspartic acid 355 with glutamic acid.
Molecular consequence: missense variant. On other transcripts: non-coding transcript variant (3).
Genome position (GRCh38, 1-based): chr1:45,015,459, T>G. VCF-style: chr1-45015459-T-G. GRCh37 (hg19) VCF-style: chr1-45481131-T-G.
Other names: short protein forms D355E.
Identifiers: ClinVar variation 3187003 (VCV003187003.2), dbSNP rs959886209, ClinGen allele CA21797656.

ClinVar aggregate classification (germline): Uncertain significance. Review status: criteria provided, multiple submitters, no conflicts (2 of 4 stars). 2 submissions from 2 submitters: Uncertain significance (2). Last evaluated 2025-03-13.

Conditions:
Inborn genetic diseases. Identifiers: MedGen C0950123, MeSH D030342.

Allele frequency attached by ClinVar (database versions not stated): gnomAD exomes below 0.00001; TOPMed 0.00002.

Submissions (2):

Labcorp Genetics (formerly Invitae), Labcorp
Classification: Uncertain significance. Last evaluated: 2025-03-13. Review status: criteria provided, single submitter. Criteria: Invitae Variant Classification Sherloc (09022015). Collection method: clinical testing. Allele origin: germline.
Comment: This sequence change replaces aspartic acid, which is acidic and polar, with glutamic acid, which is acidic and polar, at codon 355 of the UROD protein (p.Asp355Glu). This variant is present in population databases (no rsID available, gnomAD 0.003%). This variant has not been reported in the literature in individuals affected with UROD-related conditions. ClinVar contains an entry for this variant (Variation ID: 3187003). Invitae Evidence Modeling of protein sequence and biophysical properties (such as structural, functional, and spatial information, amino acid conservation, physicochemical variation, residue mobility, and thermodynamic stability) indicates that this missense variant is not expected to disrupt UROD protein function with a negative predictive value of 80%. In summary, the available evidence is currently insufficient to determine the role of this variant in disease. Therefore, it has been classified as a Variant of Uncertain Significance.

Ambry Genetics
Classification: Uncertain significance for Inborn genetic diseases. Last evaluated: 2024-02-13. Review status: criteria provided, single submitter. Criteria: Ambry Variant Classification Scheme 2023. Collection method: clinical testing. Allele origin: germline.